The following is an entry in ClinVar:

ClinVar aggregate classification (germline): Uncertain significance (1 of 4 stars; one submission).

Submission:

Labcorp Genetics (formerly Invitae), Labcorp
Classification: Uncertain significance. Last evaluated: 2022-10-24. Review status: criteria provided, single submitter. Criteria: Invitae Variant Classification Sherloc (09022015). Collection method: clinical testing. Allele origin: germline.
Comment: In summary, the available evidence is currently insufficient to determine the role of this variant in disease. Therefore, it has been classified as a Variant of Uncertain Significance. Algorithms developed to predict the effect of missense changes on protein structure and function output the following: SIFT: "Tolerated"; PolyPhen-2: "Benign"; Align-GVGD: "Class C0". The isoleucine amino acid residue is found in multiple mammalian species, which suggests that this missense change does not adversely affect protein function. ClinVar contains an entry for this variant (Variation ID: 1375755). This variant has not been reported in the literature in individuals affected with FLAD1-related conditions. This variant is not present in population databases (gnomAD no frequency). This sequence change replaces valine, which is neutral and non-polar, with isoleucine, which is neutral and non-polar, at codon 352 of the FLAD1 protein (p.Val352Ile).

NM_025207.5(FLAD1):c.1054G>A (p.Val352Ile)

Gene: FLAD1 (flavin adenine dinucleotide synthetase 1; plus strand). Cytogenetic location: 1q21.3.
Variant type: single nucleotide variant.
Coding change: c.1054G>A on transcript NM_025207.5 (MANE Select); coding-DNA position 1054, G replaced by A.
Protein change: p.Val352Ile; replaces valine 352 with isoleucine.
Molecular consequence: missense variant.
Genome position (GRCh38, 1-based): chr1:154,988,786, G>A. VCF-style: chr1-154988786-G-A. GRCh37 (hg19) VCF-style: chr1-154961262-G-A.
Other names: c.763G>A, p.Val255Ile (NM_001184891.2, NM_201398.3); c.757G>A, p.Val253Ile (NM_001184892.2); short protein forms V352I, V253I, V255I.
Identifiers: ClinVar variation 1375755 (VCV001375755.6), dbSNP rs2102245691, ClinGen allele CA342749128.